The following is an entry in ClinVar:

ClinVar aggregate classification (germline): Pathogenic (1 of 4 stars; one submission).

Conditions:
Usher syndrome type 2C. Also called: Usher syndrome, type 2B; USHER SYNDROME, TYPE IIC. Identifiers: Orphanet 231178, Orphanet 886, MedGen C2931213, MONDO:0011558, OMIM 605472.

gnomAD v4.1: 3 of 1,608,904 alleles (0.00019%); highest among the groups gnomAD compares: Admixed American, 0.0033%; no homozygotes.

Submission:

3billion
Classification: Pathogenic for Usher syndrome type 2C. Last evaluated: 2025-12-18. Review status: criteria provided, single submitter. Criteria: ACMG Guidelines, 2015. Collection method: clinical testing. Allele origin: germline. Affected: yes.
Comment: The variant is observed at an extremely low frequency in the gnomAD v4.1.0 dataset (total allele frequency: <0.001%). Predicted Consequence/Location: Canonical splice site: predicted to alter splicing and result in a loss or disruption of normal protein function. Multiple pathogenic loss-of-function variants are reported downstream of the variant. In silico tools predict the variant to alter splicing and produce an abnormal transcript [SpliceAI: 0.97 (spliceogenicity >=0.2, non-spliceogenicity <0.1)]. The variant has been reported to be associated with ADGRV1-related disorder (PMID: 23441107). Therefore, this variant is classified as Pathogenic according to the recommendation of ACMG/AMP guideline.

Literature cited by the submitters: PubMed 23441107.

NM_032119.4(ADGRV1):c.12528-1G>T

Gene: ADGRV1 (adhesion G protein-coupled receptor V1; plus strand). Cytogenetic location: 5q14.3.
Variant type: single nucleotide variant.
Coding change: c.12528-1G>T on transcript NM_032119.4 (MANE Select); the canonical splice acceptor site of the intron before coding-DNA position 12528, G replaced by T.
Molecular consequence: splice acceptor variant.
Genome position (GRCh38, 1-based): chr5:90,777,904, G>T. VCF-style: chr5-90777904-G-T. GRCh37 (hg19) VCF-style: chr5-90073721-G-T.
Identifiers: ClinVar variation 4855294 (VCV004855294.1).